The following is an entry in ClinVar:

NM_152564.5(VPS13B):c.706A>G (p.Thr236Ala)

Gene: VPS13B (vacuolar protein sorting 13 homolog B; plus strand). Cytogenetic location: 8q22.2.
Variant type: single nucleotide variant.
Coding change: c.706A>G on transcript NM_152564.5 (MANE Select); coding-DNA position 706, A replaced by G.
Protein change: p.Thr236Ala; replaces threonine 236 with alanine.
Molecular consequence: missense variant. On other transcripts: non-coding transcript variant (1).
Genome position (GRCh38, 1-based): chr8:99,111,223, A>G. VCF-style: chr8-99111223-A-G. GRCh37 (hg19) VCF-style: chr8-100123451-A-G.
Other names: c.706A>G (NM_152564.4); c.706A>G, p.Thr236Ala (NM_015243.3, NM_017890.5, NM_181661.3); short protein forms T236A.
Identifiers: ClinVar variation 1400895 (VCV001400895.8), dbSNP rs1847346139, ClinGen allele CA371860206.

ClinVar aggregate classification (germline): Uncertain significance. Review status: criteria provided, multiple submitters, no conflicts (2 of 4 stars). 3 submissions from 3 submitters: Uncertain significance (2). 1 of the submissions does not count toward it. Last evaluated 2021-08-03.

Conditions:
VPS13B-related disorder. Also called: VPS13B-related condition.
Cohen syndrome (COH1). Also called: Cutis verticis gyrata, retinitis pigmentosa, and sensorineural deafness; PEPPER SYNDROME. Identifiers: Orphanet 193, MedGen C0265223, MONDO:0008999, OMIM 216550.

Allele frequency attached by ClinVar (database versions not stated): gnomAD exomes below 0.00001; TOPMed below 0.00001.
gnomAD v4.1: 3 of 1,601,194 alleles (0.00019%); highest among the groups gnomAD compares: Non-Finnish European, 0.00026%; no homozygotes.

Submissions (3):

Labcorp Genetics (formerly Invitae), Labcorp
Classification: Uncertain significance for Cohen syndrome. Last evaluated: 2021-08-03. Review status: criteria provided, single submitter. Criteria: Invitae Variant Classification Sherloc (09022015). Collection method: clinical testing. Allele origin: germline.
Comment: This variant is not present in population databases (ExAC no frequency). This sequence change replaces threonine with alanine at codon 236 of the VPS13B protein (p.Thr236Ala). The threonine residue is weakly conserved and there is a small physicochemical difference between threonine and alanine. This variant has not been reported in the literature in individuals affected with VPS13B-related conditions. In summary, the available evidence is currently insufficient to determine the role of this variant in disease. Therefore, it has been classified as a Variant of Uncertain Significance. Algorithms developed to predict the effect of missense changes on protein structure and function are either unavailable or do not agree on the potential impact of this missense change (SIFT: "Not Available"; PolyPhen-2: "Possibly Damaging"; Align-GVGD: "Not Available").

Blueprint Genetics
Classification: Uncertain significance. Last evaluated: 2018-10-09. Review status: criteria provided, single submitter. Criteria: ACMG Guidelines, 2015. Collection method: clinical testing. Allele origin: germline.

PreventionGenetics, part of Exact Sciences
Classification: Uncertain significance for VPS13B-related condition. Last evaluated: 2023-10-24. Review status: no assertion criteria provided. Collection method: clinical testing. Allele origin: germline. Not counted in ClinVar's aggregate classification.
Comment: The VPS13B c.706A>G variant is predicted to result in the amino acid substitution p.Thr236Ala. To our knowledge, this variant has not been reported in the literature or in a large population database, indicating this variant is rare. At this time, the clinical significance of this variant is uncertain due to the absence of conclusive functional and genetic evidence.